The following is an entry in ClinVar:

NM_006912.6(RIT1):c.270G>C (p.Met90Ile)

Gene: RIT1 (Ras like without CAAX 1; minus strand). Cytogenetic location: 1q22.
Variant type: single nucleotide variant.
Coding change: c.270G>C on transcript NM_006912.6 (MANE Select); coding-DNA position 270, G replaced by C.
Protein change: p.Met90Ile; replaces methionine 90 with isoleucine.
Molecular consequence: missense variant.
Genome position (GRCh38, 1-based): chr1:155,904,470, C>G on the plus strand (G>C on the coding strand, the complement: RIT1 is on the minus strand). VCF-style: chr1-155904470-C-G. GRCh37 (hg19) VCF-style: chr1-155874261-C-G.
Other names: c.270G>C, p.Met90Ile (LRG_1372t1); c.162G>C, p.Met54Ile (NM_001256820.2); c.321G>C, p.Met107Ile (NM_001256821.2); c.321G>C (NM_001256821.1); c.270G>C (NM_006912.4); short protein forms M90I, M107I, M54I.
Identifiers: ClinVar variation 190305 (VCV000190305.24), dbSNP rs483352822, ClinGen allele CA1151814.

ClinVar aggregate classification (germline): Pathogenic/Likely pathogenic. Review status: criteria provided, multiple submitters, no conflicts (2 of 4 stars). 12 submissions from 12 submitters: Pathogenic (7); Likely pathogenic (3). 2 of the submissions do not count toward it. Last evaluated 2025-06-14.

Conditions:
RIT1-related disorder. Also called: RIT1-related condition.
Noonan syndrome and Noonan-related syndrome. Identifiers: Orphanet 98733, MedGen C5681679, MONDO:0020297.
Cardiovascular phenotype. Identifiers: MedGen CN230736.
Noonan syndrome 8 (NS8). Identifiers: Orphanet 648, MedGen C3809233, MONDO:0014143, OMIM 615355.
RASopathy. Also called: Noonan spectrum disorder; rasopathies. Identifiers: Orphanet 536391, MedGen C5555857, MONDO:0021060.

Allele frequency attached by ClinVar (database versions not stated): ExAC 0.00001.

Submissions (12):

Labcorp Genetics (formerly Invitae), Labcorp
Classification: Pathogenic for Noonan syndrome 8. Last evaluated: 2025-06-14. Review status: criteria provided, single submitter. Criteria: Invitae Variant Classification Sherloc (09022015). Collection method: clinical testing. Allele origin: germline.
Comment: This sequence change replaces methionine, which is neutral and non-polar, with isoleucine, which is neutral and non-polar, at codon 90 of the RIT1 protein (p.Met90Ile). This variant is not present in population databases (gnomAD no frequency). This missense change has been observed in individual(s) with Noonan syndrome (PMID: 23791108, 24939608, 25959749, 27101134, 27109146). In at least one individual the variant was observed to be de novo. ClinVar contains an entry for this variant (Variation ID: 190305). Invitae Evidence Modeling incorporating data from in vitro experimental studies (internal data) indicates that this missense variant is expected to disrupt RIT1 function with a positive predictive value of 95%. Experimental studies have shown that this missense change affects RIT1 function (PMID: 25959749). For these reasons, this variant has been classified as Pathogenic.

PreventionGenetics, part of Exact Sciences
Classification: Pathogenic for RIT1-related condition. Last evaluated: 2025-04-29. Review status: criteria provided, single submitter. Criteria: ACMG Guidelines, 2015. Collection method: clinical testing. Allele origin: germline.
Comment: The RIT1 c.321G>C variant is predicted to result in the amino acid substitution p.Met107Ile. In the literature this variant is also referred to as c.270G>C (p.Met90Ile) via NM_006912. This variant has been reported to be de novo in individuals with Noonan syndrome (Gos et al. 2014. PubMed ID: 24939608; Koenighofer et al. 2015. PubMed ID: 25959749; Chen et al. 2019. PubMed ID: 30732632; Frisk et al. 2022. PubMed ID: 35118825). This variant was also reported to be de novo in a fetus undergoing testing for nonimmune hydrops fetalis (Al-Kouatly et al. 2021. PubMed ID: 33686258) and in another individual undergoing testing for short stature (Table S3, Fan et al. 2021. PubMed ID: 34006472). Functional studies have shown this variant alters protein function (Koenighofer et al. 2015. PubMed ID: 25959749; Yaoita et al. 2016. PubMed ID: 26714497; Castel et al. 2019. PubMed ID: 30872527). This variant has not been reported in a large population database (gnomAD), indicating this variant is rare, and is reported as pathogenic/likely pathogenic in ClinVar. This variant is interpreted as pathogenic.

Variantyx, Inc.
Classification: Pathogenic for Noonan syndrome 8. Last evaluated: 2025-03-05. Review status: criteria provided, single submitter. Criteria: Variantyx Assertion Criteria 2022. Collection method: clinical testing. Allele origin: de novo. Inheritance: Autosomal dominant inheritance. Affected: yes.
Comment: This is a nonsynonymous variant in the RIT1 gene (OMIM: 609591). Pathogenic variants in this gene have been associated with autosomal dominant Noonan syndrome 8. It has been reported in at least five affected individuals (PMID: 24939608, 30732632) (PS4). Functional studies have shown that this variant alters RIT1 protein function (PMID: 25959749) (PS3) and multiple computational algorithms predict a deleterious effect for this variant (REVEL score: 0.837) (PP3). An alternate nucleotide substitution resulting in the same amino acid change (c.270G>A) has been previously reported as pathogenic (PMID: 23791108, 24896146, 25959749) (PS1). This variant is absent from control populations (PM2). Based on the current evidence, this variant is classified as pathogenic for autosomal dominant Noonan syndrome 8.

Women's Health and Genetics/Laboratory Corporation of America, LabCorp
Classification: Pathogenic for RASopathy. Last evaluated: 2025-01-23. Review status: criteria provided, single submitter. Criteria: LabCorp Variant Classification Summary - May 2015. Collection method: clinical testing. Allele origin: germline.
Comment: Variant summary: RIT1 c.270G>C (p.Met90Ile) results in a conservative amino acid change in the encoded protein sequence. Three of five in-silico tools predict a benign effect of the variant on protein function. The variant was absent in 251366 control chromosomes. c.270G>C has been reported in the literature in multiple individuals affected with Noonan Syndrome and has been reported as De novo (examples: Aoi_2020, Marangoni_2021). These data indicate that the variant may be associated with disease. A different variant resulting in the same amino acid consequence has been classified as pathogenic by our lab (c.270G>A,p.Met90Ile), supporting the pathogenicity of this variant. The following publications have been ascertained in the context of this evaluation (PMID: 33144663, 34906519). ClinVar contains an entry for this variant (Variation ID: 190305). Based on the evidence outlined above, the variant was classified as pathogenic.

Genome-Nilou Lab
Classification: Likely pathogenic for Noonan syndrome 8. Last evaluated: 2023-04-11. Review status: criteria provided, single submitter. Criteria: ACMG Guidelines, 2015. Collection method: clinical testing. Allele origin: germline. Affected: no.

Ambry Genetics
Classification: Pathogenic for Cardiovascular phenotype. Last evaluated: 2022-11-02. Review status: criteria provided, single submitter. Criteria: Ambry Variant Classification Scheme 2023. Collection method: clinical testing. Allele origin: germline.
Comment: The c.270G>C (p.M90I) alteration is located in exon 5 (coding exon 4) of the RIT1 gene. This alteration results from a G to C substitution at nucleotide position 270, causing the methionine (M) at amino acid position 90 to be replaced by an isoleucine (I). This variant was not reported in population-based cohorts in the Genome Aggregation Database (gnomAD). This variant has been detected in multiple individuals with clinical features of RASopathy; it has been reported to have occurred de novo in some individuals (Gos, 2014; Koenighofer, 2015; Yaoita, 2016; Chen, 2019). The same amino acid substitution resulting from c.270G>T has also been observed in individuals with RASopathy (Aoki, 2016; Ambry internal data). This amino acid position is highly conserved in available vertebrate species. In vitro functional studies showed that M90I enhances RAS-MAPK signaling (Yaoita, 2016; Koenighofer, 2015; Castel, 2019). In addition, a mouse model harboring M90I had a phenotype resembling Noonan syndrome in humans (Castel, 2019). The in silico prediction for this alteration is inconclusive. Based on the available evidence, this alteration is classified as pathogenic.

GeneDx
Classification: Pathogenic. Last evaluated: 2022-09-15. Review status: criteria provided, single submitter. Criteria: GeneDx Variant Classification Process June 2021. Collection method: clinical testing. Allele origin: germline. Affected: yes.
Comment: Published functional studies demonstrate increased MEK-ERK signaling compared to wild-type (Koenighofer et al., 2016); Not observed at significant frequency in large population cohorts (gnomAD); This variant is associated with the following publications: (PMID: 24939608, 24803665, 25959749, 30732632, 34006472, 35118825, 33726816, 33686258)

Victorian Clinical Genetics Services, Murdoch Childrens Research Institute
Classification: Pathogenic for Noonan syndrome 8. Last evaluated: 2020-05-25. Review status: criteria provided, single submitter. Criteria: ACMG Guidelines, 2015. Collection method: clinical testing. Allele origin: germline. Affected: yes.
Comment: Based on the classification scheme VCGS_Germline_v1.1.1, this variant is classified as Pathogenic. Following criteria are met: 0101 - Gain-of-function is a known mechanism of disease for this gene. (N) 0107 - This gene is known to be associated with autosomal dominant disease. (N) 0200 - Variant is predicted to result in a missense amino acid change from methionine to isoleucine (exon 5). (N) 0251 - Variant is heterozygous. (N) 0301 - Variant is absent from gnomAD. (P) 0502 - Missense variant with conflicting in silico predictions and/or uninformative conservation. (N) 0601 - Variant affects at least one well established (essential) functional domain or motif. The Switch II domain is involved in GTP hydrolysis (PMID: 24469055), and missense variants cluster within this domain (ClinVar, Decipher). (P) 0801 - Strong previous evidence of pathogenicity in unrelated individuals. This variant has been reported as pathogenic in multiple patients with Noonan syndrome, as have alternate nucleotide changes resulting in the same missense substitution (ClinVar, Mastermind). (P) 1102 - Strong phenotype match. (P) 1208 - Segregation information for this variant is not currently available. (N) Legend: (P) - Pathogenic, (N) - Neutral, (B) – Benign

Genome Diagnostics Laboratory, The Hospital for Sick Children
Classification: Likely pathogenic for Noonan syndrome and Noonan-related syndrome. Last evaluated: 2016-12-12. Review status: criteria provided, single submitter. Criteria: ACMG Guidelines, 2015. Collection method: clinical testing. Allele origin: germline. Affected: yes.

Clinical Genetics and Genomics, Karolinska University Hospital
Classification: Likely pathogenic. Last evaluated: 2015-07-03. Review status: criteria provided, single submitter. Criteria: ACMG Guidelines, 2015. Collection method: clinical testing. Allele origin: germline. Affected: yes. Observed: 1 variant allele.

Beijing Key Laboratory for Genetic Research of Skeletal Deformity, Peking Union Medical College Hospital
Classification: Pathogenic for Noonan syndrome 8. Last evaluated: 2019-05-31. Review status: no assertion criteria provided. Collection method: research. Allele origin: de novo. Affected: yes. Not counted in ClinVar's aggregate classification.

OMIM
Classification: Pathogenic for NOONAN SYNDROME 8. Last evaluated: 2014-09-01. Review status: no assertion criteria provided. Collection method: literature only. Allele origin: germline. Not counted in ClinVar's aggregate classification.

Literature cited by the submitters: PubMed 23791108 (cited by Labcorp Genetics (formerly Invitae), Labcorp); PubMed 24939608 (cited by 4 submitters); PubMed 25959749 (cited by 3 submitters); PubMed 27101134 (cited by Labcorp Genetics (formerly Invitae), Labcorp); PubMed 27109146 (cited by Labcorp Genetics (formerly Invitae), Labcorp); PubMed 30732632 (cited by Variantyx, Inc. and Ambry Genetics); PubMed 33144663 (cited by Women's Health and Genetics/Laboratory Corporation of America, LabCorp); PubMed 34906519 (cited by Women's Health and Genetics/Laboratory Corporation of America, LabCorp); PubMed 26446362 (cited by Ambry Genetics); PubMed 26714497 (cited by Ambry Genetics); PubMed 30872527 (cited by Ambry Genetics); PubMed 24469055 (cited by Victorian Clinical Genetics Services, Murdoch Childrens Research Institute).